The following is an entry in ClinVar:

ClinVar aggregate classification (germline): Uncertain significance (1 of 4 stars; one submission).

Conditions:
Inborn genetic diseases. Identifiers: MedGen C0950123, MeSH D030342.

Submission:

Ambry Genetics
Classification: Uncertain significance for Inborn genetic diseases. Last evaluated: 2025-07-12. Review status: criteria provided, single submitter. Criteria: Ambry Variant Classification Scheme 2023. Collection method: clinical testing. Allele origin: germline.
Comment: The p.T589A variant (also known as c.1765A>G), located in coding exon 19 of the FANCA gene, results from an A to G substitution at nucleotide position 1765. The threonine at codon 589 is replaced by alanine, an amino acid with similar properties. This amino acid position is conserved. In addition, this alteration is predicted to be tolerated by in silico analysis. Based on the available evidence, the clinical significance of this variant remains unclear.

NM_000135.4(FANCA):c.1765A>G (p.Thr589Ala)

Gene: FANCA (FA complementation group A; minus strand). Cytogenetic location: 16q24.3.
Variant type: single nucleotide variant.
Coding change: c.1765A>G on transcript NM_000135.4 (MANE Select); coding-DNA position 1765, A replaced by G.
Protein change: p.Thr589Ala; replaces threonine 589 with alanine.
Molecular consequence: missense variant.
Genome position (GRCh38, 1-based): chr16:89,778,954, T>C on the plus strand (A>G on the coding strand, the complement: FANCA is on the minus strand). VCF-style: chr16-89778954-T-C. GRCh37 (hg19) VCF-style: chr16-89845362-T-C.
Other names: c.1765A>G, p.Thr589Ala (NM_001286167.3); short protein forms T589A.
Identifiers: ClinVar variation 4254192 (VCV004254192.1).